The following is an entry in ClinVar:

ClinVar aggregate classification (germline): Uncertain significance (1 of 4 stars; one submission).

Conditions:
Inborn genetic diseases. Identifiers: MedGen C0950123, MeSH D030342.

Submission:

Ambry Genetics
Classification: Uncertain significance for Inborn genetic diseases. Last evaluated: 2024-12-02. Review status: criteria provided, single submitter. Criteria: Ambry Variant Classification Scheme 2023. Collection method: clinical testing. Allele origin: germline.
Comment: The p.Q955P variant (also known as c.2864A>C), located in coding exon 12 of the BMPR2 gene, results from an A to C substitution at nucleotide position 2864. The glutamine at codon 955 is replaced by proline, an amino acid with similar properties. This amino acid position is conserved. In addition, the in silico prediction for this alteration is inconclusive. Based on the available evidence, the clinical significance of this variant remains unclear.

NM_001204.7(BMPR2):c.2864A>C (p.Gln955Pro)

Gene: BMPR2 (bone morphogenetic protein receptor type 2; plus strand). Cytogenetic location: 2q33.2.
Variant type: single nucleotide variant.
Coding change: c.2864A>C on transcript NM_001204.7 (MANE Select); coding-DNA position 2864, A replaced by C.
Protein change: p.Gln955Pro; replaces glutamine 955 with proline.
Molecular consequence: missense variant.
Genome position (GRCh38, 1-based): chr2:202,556,529, A>C. VCF-style: chr2-202556529-A-C. GRCh37 (hg19) VCF-style: chr2-203421252-A-C.
Other names: short protein forms Q955P.
Identifiers: ClinVar variation 3481327 (VCV003481327.1).